The following is an entry in ClinVar:

NM_025132.4(WDR19):c.3825A>C (p.Pro1275=)

Gene: WDR19 (WD repeat domain 19; plus strand). Cytogenetic location: 4p14.
Variant type: single nucleotide variant.
Coding change: c.3825A>C on transcript NM_025132.4 (MANE Select); coding-DNA position 3825, A replaced by C.
Protein change: p.Pro1275=; no amino-acid change (proline 1275 retained).
Molecular consequence: synonymous variant.
Genome position (GRCh38, 1-based): chr4:39,277,128, A>C. VCF-style: chr4-39277128-A-C. GRCh37 (hg19) VCF-style: chr4-39278748-A-C.
Other names: c.3345A>C, p.Pro1115= (NM_001317924.2).
Identifiers: ClinVar variation 4993864 (VCV004993864.1).

ClinVar aggregate classification (germline): Likely benign (1 of 4 stars; one submission).

Conditions:
WDR19-related disorder. Also called: WDR19-related condition; WDR19-related disorders. Identifiers: MedGen CN380161.

Submission:

PreventionGenetics, part of Exact Sciences
Classification: Likely benign for WDR19-related condition. Last evaluated: 2026-02-02. Review status: criteria provided, single submitter. Criteria: ACMG Guidelines, 2015. Collection method: clinical testing. Allele origin: germline.
Comment: This variant is classified as likely benign based on ACMG/AMP sequence variant interpretation guidelines (Richards et al. 2015 PMID: 25741868, with internal and published modifications).